The following is an entry in ClinVar:

ClinVar aggregate classification (germline): Uncertain significance (1 of 4 stars; one submission).

Conditions:
Galactosylceramide beta-galactosidase deficiency. Also called: Krabbe Disease; Leukodystrophy, Globoid Cell; GALACTOCEREBROSIDASE DEFICIENCY; GALC DEFICIENCY; GLOBOID CELL LEUKOENCEPHALOPATHY. Identifiers: Orphanet 487, MedGen C0023521, MONDO:0009499, OMIM 245200.

Submission:

Labcorp Genetics (formerly Invitae), Labcorp
Classification: Uncertain significance for Galactosylceramide beta-galactosidase deficiency. Last evaluated: 2021-12-08. Review status: criteria provided, single submitter. Criteria: Invitae Variant Classification Sherloc (09022015). Collection method: clinical testing. Allele origin: germline.
Comment: This sequence change replaces glutamic acid, which is acidic and polar, with glycine, which is neutral and non-polar, at codon 3 of the GALC protein (p.Glu3Gly). This variant is not present in population databases (gnomAD no frequency). This variant has not been reported in the literature in individuals affected with GALC-related conditions. Advanced modeling of protein sequence and biophysical properties (such as structural, functional, and spatial information, amino acid conservation, physicochemical variation, residue mobility, and thermodynamic stability) performed at Invitae indicates that this missense variant is not expected to disrupt GALC protein function. In summary, the available evidence is currently insufficient to determine the role of this variant in disease. Therefore, it has been classified as a Variant of Uncertain Significance.

NM_000153.4(GALC):c.8A>G (p.Glu3Gly)

Gene: GALC (galactosylceramidase; minus strand). Cytogenetic location: 14q31.3.
Variant type: single nucleotide variant.
Coding change: c.8A>G on transcript NM_000153.4 (MANE Select); coding-DNA position 8, A replaced by G.
Protein change: p.Glu3Gly; replaces glutamic acid 3 with glycine.
Molecular consequence: missense variant. On other transcripts: intron variant (1).
Genome position (GRCh38, 1-based): chr14:87,993,157, T>C on the plus strand (A>G on the coding strand, the complement: GALC is on the minus strand). VCF-style: chr14-87993157-T-C. GRCh37 (hg19) VCF-style: chr14-88459501-T-C.
Other names: c.8A>G, p.Glu3Gly (NM_001201401.2); c.117+226A>G (NM_001201402.2); short protein forms E3G.
Identifiers: ClinVar variation 2038199 (VCV002038199.4), dbSNP rs2139770080, ClinGen allele CA390772166.